The following is an entry in ClinVar:

ClinVar aggregate classification (germline): Benign/Likely benign. Review status: criteria provided, multiple submitters, no conflicts (2 of 4 stars). 4 submissions from 4 submitters: Benign (2); Likely benign (1). 1 of the submissions does not count toward it. Last evaluated 2026-01-25.

Conditions:
Cohen syndrome (COH1). Also called: PEPPER SYNDROME; Cutis verticis gyrata, retinitis pigmentosa, and sensorineural deafness. Identifiers: Orphanet 193, MedGen C0265223, MONDO:0008999, OMIM 216550.

Allele frequency attached by ClinVar (database versions not stated): ESP Exome Variant Server 0.00008; gnomAD 0.00050 and 0.00070; gnomAD exomes 0.00066 and 0.00133; TOPMed 0.00086; ExAC 0.00127; 1000 Genomes Project 0.00240; 1000 Genomes Project 30x 0.00281.
gnomAD v4.1: 1,065 of 1,610,544 alleles (0.066%); highest among the groups gnomAD compares: East Asian, 2.2%; 14 homozygotes.

Submissions (4):

Labcorp Genetics (formerly Invitae), Labcorp
Classification: Benign for Cohen syndrome. Last evaluated: 2026-01-25. Review status: criteria provided, single submitter. Criteria: Invitae Variant Classification Sherloc (09022015). Collection method: clinical testing. Allele origin: germline.

Blueprint Genetics
Classification: Likely benign. Last evaluated: 2024-10-23. Review status: criteria provided, single submitter. Criteria: ACMG Guidelines, 2015. Collection method: clinical testing. Allele origin: germline.

Illumina Laboratory Services, Illumina
Classification: Benign for Cohen syndrome. Last evaluated: 2018-01-12. Review status: criteria provided, single submitter. Criteria: ICSL Variant Classification Criteria 13 December 2019. Collection method: clinical testing. Allele origin: germline.
Comment: This variant was observed in the ICSL laboratory as part of a predisposition screen in an ostensibly healthy population. It had not been previously curated by ICSL or reported in the Human Gene Mutation Database (HGMD: prior to June 1st, 2018), and was therefore a candidate for classification through an automated scoring system. Utilizing variant allele frequency, disease prevalence and penetrance estimates, and inheritance mode, an automated score was calculated to assess if this variant is too frequent to cause the disease. Based on the score and internal cut-off values, a variant classified as benign is not then subjected to further curation. The score for this variant resulted in a classification of benign for this disease.

Natera, Inc.
Classification: Benign for Cohen syndrome. Last evaluated: 2019-11-11. Review status: no assertion criteria provided. Collection method: clinical testing. Allele origin: germline. Not counted in ClinVar's aggregate classification.

NM_152564.5(VPS13B):c.3211-11T>C

Gene: VPS13B (vacuolar protein sorting 13 homolog B; plus strand). Cytogenetic location: 8q22.2.
Variant type: single nucleotide variant.
Coding change: c.3211-11T>C on transcript NM_152564.5 (MANE Select); 11 bases into the intron before coding-DNA position 3211, T replaced by C.
Molecular consequence: intron variant.
Genome position (GRCh38, 1-based): chr8:99,442,390, T>C. VCF-style: chr8-99442390-T-C. GRCh37 (hg19) VCF-style: chr8-100454618-T-C.
Other names: c.3211-11T>C (NM_017890.5).
Identifiers: ClinVar variation 361054 (VCV000361054.17), dbSNP rs77129176, ClinGen allele CA4823200.